The following is an entry in ClinVar:

ClinVar aggregate classification (germline): Uncertain significance. Review status: criteria provided, multiple submitters, no conflicts (2 of 4 stars). 2 submissions from 2 submitters: Uncertain significance (2). Last evaluated 2025-01-13.

Conditions:
Hereditary cancer-predisposing syndrome. Also called: Neoplastic Syndromes, Hereditary; Hereditary Cancer Syndrome; Tumor predisposition; Hereditary neoplastic syndrome. Identifiers: Orphanet 140162, MedGen C0027672, MeSH D009386, MONDO:0015356.
Retinoblastoma (RB1). Also called: RETINOBLASTOMA, SOMATIC. Identifiers: Orphanet 790, MedGen C0035335, MeSH D012175, MONDO:0008380, OMIM 180200, HP:0009919. Disease mechanism: loss of function. Inheritance: Both sporadic and heritable forms are tested..

Submissions (2):

Labcorp Genetics (formerly Invitae), Labcorp
Classification: Uncertain significance for Retinoblastoma. Last evaluated: 2025-01-13. Review status: criteria provided, single submitter. Criteria: Invitae Variant Classification Sherloc (09022015). Collection method: clinical testing. Allele origin: germline.
Comment: This sequence change replaces threonine, which is neutral and polar, with asparagine, which is neutral and polar, at codon 633 of the RB1 protein (p.Thr633Asn). This variant is not present in population databases (gnomAD no frequency). This variant has not been reported in the literature in individuals affected with RB1-related conditions. ClinVar contains an entry for this variant (Variation ID: 1473716). Invitae Evidence Modeling of protein sequence and biophysical properties (such as structural, functional, and spatial information, amino acid conservation, physicochemical variation, residue mobility, and thermodynamic stability) indicates that this missense variant is not expected to disrupt RB1 protein function with a negative predictive value of 80%. In summary, the available evidence is currently insufficient to determine the role of this variant in disease. Therefore, it has been classified as a Variant of Uncertain Significance.

Ambry Genetics
Classification: Uncertain significance for Hereditary cancer-predisposing syndrome. Last evaluated: 2022-12-19. Review status: criteria provided, single submitter. Criteria: Ambry Variant Classification Scheme 2023. Collection method: clinical testing. Allele origin: germline.
Comment: The p.T633N variant (also known as c.1898C>A), located in coding exon 19 of the RB1 gene, results from a C to A substitution at nucleotide position 1898. The threonine at codon 633 is replaced by asparagine, an amino acid with similar properties. This amino acid position is conserved. In addition, this alteration is predicted to be tolerated by in silico analysis. Since supporting evidence is limited at this time, the clinical significance of this alteration remains unclear.

NM_000321.3(RB1):c.1898C>A (p.Thr633Asn)

Gene: RB1 (RB transcriptional corepressor 1; plus strand). Cytogenetic location: 13q14.2.
Variant type: single nucleotide variant.
Coding change: c.1898C>A on transcript NM_000321.3 (MANE Select); coding-DNA position 1898, C replaced by A.
Protein change: p.Thr633Asn; replaces threonine 633 with asparagine.
Molecular consequence: missense variant.
Genome position (GRCh38, 1-based): chr13:48,456,287, C>A. VCF-style: chr13-48456287-C-A. GRCh37 (hg19) VCF-style: chr13-49030423-C-A.
Other names: c.1898C>A (NM_000321.2); short protein forms T633N.
Identifiers: ClinVar variation 1473716 (VCV001473716.9), dbSNP rs587778641, ClinGen allele CA388166048.